The following is an entry in ClinVar:

ClinVar aggregate classification (germline): Conflicting classifications of pathogenicity. Review status: criteria provided, conflicting classifications (1 of 4 stars). 2 submissions from 2 submitters: Uncertain significance (1); Likely benign (1). Last evaluated 2024-08-14.

Conditions:
Inborn genetic diseases. Identifiers: MedGen C0950123, MeSH D030342.
Mendelian susceptibility to mycobacterial diseases due to complete IL12RB1 deficiency. Also called: IL12RB1 DEFICIENCY; Immunodeficiency 30. Identifiers: Orphanet 319552, MedGen C4013949, MONDO:0013955, OMIM 614891.

Allele frequency attached by ClinVar (database versions not stated): gnomAD 0.00001.

Submissions (2):

Labcorp Genetics (formerly Invitae), Labcorp
Classification: Uncertain significance for Mendelian susceptibility to mycobacterial diseases due to complete IL12RB1 deficiency. Last evaluated: 2024-08-14. Review status: criteria provided, single submitter. Criteria: Invitae Variant Classification Sherloc (09022015). Collection method: clinical testing. Allele origin: germline.
Comment: This sequence change replaces glutamic acid, which is acidic and polar, with glycine, which is neutral and non-polar, at codon 28 of the IL12RB1 protein (p.Glu28Gly). This variant is not present in population databases (gnomAD no frequency). This variant has not been reported in the literature in individuals affected with IL12RB1-related conditions. ClinVar contains an entry for this variant (Variation ID: 2044233). An algorithm developed to predict the effect of missense changes on protein structure and function outputs the following: PolyPhen-2: "Benign". The glycine amino acid residue is found in multiple mammalian species, which suggests that this missense change does not adversely affect protein function. In summary, the available evidence is currently insufficient to determine the role of this variant in disease. Therefore, it has been classified as a Variant of Uncertain Significance.

Ambry Genetics
Classification: Likely benign for Inborn genetic diseases. Last evaluated: 2021-10-26. Review status: criteria provided, single submitter. Criteria: Ambry Variant Classification Scheme 2023. Collection method: clinical testing. Allele origin: germline.

NM_005535.3(IL12RB1):c.83A>G (p.Glu28Gly)

Gene: IL12RB1 (interleukin 12 receptor subunit beta 1; minus strand). Cytogenetic location: 19p13.11.
Variant type: single nucleotide variant.
Coding change: c.83A>G on transcript NM_005535.3 (MANE Select); coding-DNA position 83, A replaced by G.
Protein change: p.Glu28Gly; replaces glutamic acid 28 with glycine.
Molecular consequence: missense variant.
Genome position (GRCh38, 1-based): chr19:18,083,473, T>C on the plus strand (A>G on the coding strand, the complement: IL12RB1 is on the minus strand). VCF-style: chr19-18083473-T-C. GRCh37 (hg19) VCF-style: chr19-18194283-T-C.
Other names: c.83A>G, p.Glu28Gly (NM_001290023.2, NM_153701.3); c.203A>G, p.Glu68Gly (NM_001290024.2); short protein forms E68G, E28G.
Identifiers: ClinVar variation 2044233 (VCV002044233.4), dbSNP rs757407762, ClinGen allele CA404790570.